The following is an entry in ClinVar:

NM_000238.4(KCNH2):c.3093_3106del (p.Pro1034fs)

Gene: KCNH2 (potassium voltage-gated channel subfamily H member 2; minus strand). Cytogenetic location: 7q36.1.
Variant type: Deletion.
Coding change: c.3093_3106del on transcript NM_000238.4 (MANE Select); coding-DNA positions 3093 to 3106, 14 bases deleted (TCGGCGGCCCCGGG).
Protein change: p.Pro1034fs; shifts the reading frame from proline 1034.
Molecular consequence: frameshift variant.
Genome position (GRCh38, 1-based): chr7:150,947,374-150,947,387, CCCGGGGCCGCCGA deleted on the plus strand (TCGGCGGCCCCGGG on the coding strand, the reverse complement: KCNH2 is on the minus strand); deleting any 14 consecutive bases within chr7:150,947,374-150,947,393 gives the same sequence; the c. name uses the placement nearest the transcript's 3' end. VCF-style (leftmost placement, unchanged base first): chr7-150947373-CCCCGGGGCCGCCGA-C. GRCh37 (hg19) VCF-style: chr7-150644461-CCCCGGGGCCGCCGA-C.
Other names: c.3093_3106delTCGGCGGCCCCGGG (NM_000238.2); c.2073_2086del, p.Pro694fs (NM_172057.3); short protein forms P1034fs, P694fs.
Identifiers: ClinVar variation 503672 (VCV000503672.11), dbSNP rs1554424063, ClinGen allele CA658761310.

ClinVar aggregate classification (germline): Pathogenic. Review status: criteria provided, multiple submitters, no conflicts (2 of 4 stars). 2 submissions from 2 submitters: Pathogenic (2). Last evaluated 2023-12-14.

Conditions:
Long QT syndrome (LQTS). Identifiers: MedGen C0023976, MeSH D008133, MONDO:0002442. Disease mechanism: loss of function. Inheritance: Various modes of inheritance.

Submissions (2):

Labcorp Genetics (formerly Invitae), Labcorp
Classification: Pathogenic for Long QT syndrome. Last evaluated: 2023-12-14. Review status: criteria provided, single submitter. Criteria: Invitae Variant Classification Sherloc (09022015). Collection method: clinical testing. Allele origin: germline.
Comment: This sequence change creates a premature translational stop signal (p.Pro1034Glyfs*80) in the KCNH2 gene. While this is not anticipated to result in nonsense mediated decay, it is expected to disrupt the last 126 amino acid(s) of the KCNH2 protein. This variant is not present in population databases (gnomAD no frequency). This premature translational stop signal has been observed in individual(s) with Long QT syndrome (PMID: 16414944, 26063740). ClinVar contains an entry for this variant (Variation ID: 503672). This variant disrupts a region of the KCNH2 protein in which other variant(s) (p.Glu1119*) have been determined to be pathogenic (PMID: 27920829). This suggests that this is a clinically significant region of the protein, and that variants that disrupt it are likely to be disease-causing. For these reasons, this variant has been classified as Pathogenic.

GeneDx
Classification: Pathogenic. Last evaluated: 2023-04-17. Review status: criteria provided, single submitter. Criteria: GeneDx Variant Classification Process June 2021. Collection method: clinical testing. Allele origin: germline. Affected: yes.
Comment: Not observed at significant frequency in large population cohorts (gnomAD); Frameshift variant predicted to result in protein truncation, as the last 126 amino acids are replaced with 79 different amino acids, and other loss-of-function variants have been reported downstream in the Human Gene Mutation Database (HGMD); This variant is associated with the following publications: (PMID: 34860437, 16414944, 19716085)

Literature cited by the submitters: PubMed 16414944 (cited by Labcorp Genetics (formerly Invitae), Labcorp); PubMed 26063740 (cited by Labcorp Genetics (formerly Invitae), Labcorp); PubMed 27920829 (cited by Labcorp Genetics (formerly Invitae), Labcorp).